The following is an entry in ClinVar:

ClinVar aggregate classification (germline): Uncertain significance (1 of 4 stars; one submission).

Conditions:
Spinocerebellar ataxia type 19/22 (SCA19). Also called: SPINOCEREBELLAR ATAXIA 22; SPINOCEREBELLAR ATAXIA 19. Identifiers: Orphanet 98772, MedGen C1846367, MONDO:0011819, OMIM 607346.

Allele frequency attached by ClinVar (database versions not stated): gnomAD exomes below 0.00001.
gnomAD v4.1: 6 of 1,611,828 alleles (0.00037%); highest among the groups gnomAD compares: Non-Finnish European, 0.00051%; no homozygotes.

Submission:

Labcorp Genetics (formerly Invitae), Labcorp
Classification: Uncertain significance for Spinocerebellar ataxia type 19/22. Last evaluated: 2022-06-10. Review status: criteria provided, single submitter. Criteria: Invitae Variant Classification Sherloc (09022015). Collection method: clinical testing. Allele origin: germline.
Comment: This variant is not present in population databases (gnomAD no frequency). This sequence change replaces asparagine, which is neutral and polar, with histidine, which is basic and polar, at codon 451 of the KCND3 protein (p.Asn451His). This variant has not been reported in the literature in individuals affected with KCND3-related conditions. In summary, the available evidence is currently insufficient to determine the role of this variant in disease. Therefore, it has been classified as a Variant of Uncertain Significance. Algorithms developed to predict the effect of missense changes on protein structure and function are either unavailable or do not agree on the potential impact of this missense change (SIFT: "Tolerated"; PolyPhen-2: "Possibly Damaging"; Align-GVGD: "Class C0").

NM_001378969.1(KCND3):c.1351A>C (p.Asn451His)

Gene: KCND3 (potassium voltage-gated channel subfamily D member 3; minus strand). Cytogenetic location: 1p13.2.
Variant type: single nucleotide variant.
Coding change: c.1351A>C on transcript NM_001378969.1 (MANE Select); coding-DNA position 1351, A replaced by C.
Protein change: p.Asn451His; replaces asparagine 451 with histidine.
Molecular consequence: missense variant.
Genome position (GRCh38, 1-based): chr1:111,780,710, T>G on the plus strand (A>C on the coding strand, the complement: KCND3 is on the minus strand). VCF-style: chr1-111780710-T-G. GRCh37 (hg19) VCF-style: chr1-112323332-T-G.
Other names: c.1351A>C, p.Asn451His (NM_001378970.1, NM_004980.5, NM_172198.3); short protein forms N451H.
Identifiers: ClinVar variation 2192556 (VCV002192556.4), dbSNP rs2525016348, ClinGen allele CA341659021.
Genomic context (GRCh38, chr1:111,780,710, plus strand): 5'-CCCCTTTATGTTCCCTAGCCCAGGTCCTCTAGGCACCTACCGTCAGCTCCAGCGCCTCGT[T>G]GAGGAGCCCGTTGCGCTTGCTGTGCAGGTATGCATTCGAACTGCCTGTTTTGGCCACACG-3'
Protein context (NP_001365898.1, residues 441-461): YLHSKRNGLL[Asn451His]EALELTGTPE